The following is an entry in ClinVar:

NM_033163.5(FGF8):c.157-11A>G

Gene: FGF8 (fibroblast growth factor 8; minus strand). Cytogenetic location: 10q24.32.
Variant type: single nucleotide variant.
Coding change: c.157-11A>G on transcript NM_033163.5 (MANE Select); 11 bases into the intron before coding-DNA position 157, A replaced by G.
Molecular consequence: intron variant.
Genome position (GRCh38, 1-based): chr10:101,774,923, T>C on the plus strand (A>G on the coding strand, the complement: FGF8 is on the minus strand). VCF-style: chr10-101774923-T-C. GRCh37 (hg19) VCF-style: chr10-103534680-T-C.
Other names: c.-123-44A>G (NM_001206389.2); c.70-44A>G (NM_033165.5); c.70-11A>G (NM_006119.6); c.157-44A>G (NM_033164.4).
Identifiers: ClinVar variation 3368941 (VCV003368941.2).
Genomic context (GRCh38, chr10:101,774,923, plus strand): 5'-CTCTGCTCCCTCACATGCTGTGTAAAATTAGGTGAGGACTGAACAGTTACCTTTAGGAAA[T>C]TGAAAAATACACAATACACCATTATAATGCTACTCCGCCCAGGGGCCCGAGTGGCCCCAT-3'

ClinVar aggregate classification (germline): Uncertain significance. Review status: criteria provided, multiple submitters, no conflicts (2 of 4 stars). 2 submissions from 2 submitters: Uncertain significance (2). Last evaluated 2024-02-06.

Submissions (2):

GeneDx
Classification: Uncertain significance. Last evaluated: 2024-02-06. Review status: criteria provided, single submitter. Criteria: GeneDx Variant Classification Process June 2021. Collection method: clinical testing. Allele origin: germline. Affected: yes.
Comment: Not observed at significant frequency in large population cohorts (gnomAD); In silico analysis supports a deleterious effect on splicing; Has not been previously published as pathogenic or benign to our knowledge

Blueprint Genetics
Classification: Uncertain significance. Last evaluated: 2022-04-04. Review status: criteria provided, single submitter. Criteria: ACMG Guidelines, 2015. Collection method: clinical testing. Allele origin: germline.